The following is an entry in ClinVar:

NM_002661.5(PLCG2):c.164G>A (p.Ser55Asn)

Gene: PLCG2 (phospholipase C gamma 2; plus strand). Cytogenetic location: 16q23.3.
Variant type: single nucleotide variant.
Coding change: c.164G>A on transcript NM_002661.5 (MANE Select); coding-DNA position 164, G replaced by A.
Protein change: p.Ser55Asn; replaces serine 55 with asparagine.
Molecular consequence: missense variant.
Genome position (GRCh38, 1-based): chr16:81,786,153, G>A. VCF-style: chr16-81786153-G-A. GRCh37 (hg19) VCF-style: chr16-81819758-G-A.
Other names: c.164G>A, p.Ser55Asn (NM_001425749.1, NM_001425750.1, NM_001425751.1); short protein forms S55N.
Identifiers: ClinVar variation 4806759 (VCV004806759.1).
Genomic context (GRCh38, chr16:81,786,153, plus strand): 5'-AGTCCACCCCCGAGCGGAGAACCGTCCAGGTGATCATGGAGACGCGGCAGGTGGCCTGGA[G>A]CAAGACCGCTGACAAGATCGAGGGCTTCTGTGAGTACTCGCTGGGTGGGGCAGTGTGGCC-3'
Protein context (NP_002652.2, residues 45-65): VIMETRQVAW[Ser55Asn]KTADKIEGFL

ClinVar aggregate classification (germline): Uncertain significance (1 of 4 stars; one submission).

Conditions:
Familial cold autoinflammatory syndrome 3 (FCAS3). Also called: ANTIBODY DEFICIENCY AND IMMUNE DYSREGULATION, PLCG2-ASSOCIATED; FAMILIAL ATYPICAL COLD URTICARIA. Identifiers: Orphanet 300359, MedGen C3280914, MONDO:0013766, OMIM 614468.

Submission:

Labcorp Genetics (formerly Invitae), Labcorp
Classification: Uncertain significance for Familial cold autoinflammatory syndrome 3. Last evaluated: 2025-09-16. Review status: criteria provided, single submitter. Criteria: Invitae Variant Classification Sherloc (09022015). Collection method: clinical testing. Allele origin: germline.
Comment: This sequence change replaces serine, which is neutral and polar, with asparagine, which is neutral and polar, at codon 55 of the PLCG2 protein (p.Ser55Asn). This variant is not present in population databases (gnomAD no frequency). This variant has not been reported in the literature in individuals affected with PLCG2-related conditions. An algorithm developed to predict the effect of missense changes on protein structure and function (PolyPhen-2) suggests that this variant is likely to be disruptive. In summary, the available evidence is currently insufficient to determine the role of this variant in disease. Therefore, it has been classified as a Variant of Uncertain Significance.